The following is an entry in ClinVar:

ClinVar aggregate classification (germline): Conflicting classifications of pathogenicity. Review status: criteria provided, conflicting classifications (1 of 4 stars). 2 submissions from 2 submitters: Uncertain significance (1); Likely benign (1). Last evaluated 2026-06-01.

Submissions (2):

CeGaT Center for Human Genetics Tuebingen
Classification: Likely benign. Last evaluated: 2026-06-01. Review status: criteria provided, single submitter. Criteria: CeGaT Center For Human Genetics Tuebingen Variant Classification Criteria Version 2. Collection method: clinical testing. Allele origin: germline. Affected: yes. Observed: 32 variant alleles.
Comment: FOXP1: BS1

Breakthrough Genomics
Classification: Uncertain significance. Review status: criteria provided, single submitter. Criteria: ACMG Guidelines, 2015. Collection method: not provided. Allele origin: germline. Inheritance: Autosomal dominant inheritance. Affected: yes.

NM_001349338.3(FOXP1):c.*3391TG[10]

Gene: FOXP1 (forkhead box P1; minus strand). Cytogenetic location: 3p13.
Variant type: Microsatellite.
Coding change: c.*3391TG[10] on transcript NM_001349338.3 (MANE Select); ten copies in a row of the 2-base unit TG starting at c.*3391; the reference has 12 copies in a row; two copies, 4 bases deleted.
Molecular consequence: 3 prime UTR variant. On other transcripts: non-coding transcript variant (2).
Genome position (GRCh38, 1-based): chr3:70,955,833-70,955,836, CACA deleted on the plus strand (TGTG on the coding strand, the reverse complement: FOXP1 is on the minus strand); deleting any 4 consecutive bases within chr3:70,955,833-70,955,856 gives the same sequence; the position shown is the placement nearest the transcript's 3' end. VCF-style (leftmost placement, unchanged base first): chr3-70955832-GCACA-G. GRCh37 (hg19) VCF-style: chr3-71004983-GCACA-G.
Other names: c.*3391TG[10] (NM_001244808.3, NM_001244810.2, NM_001244812.3 and 12 more transcripts).
Identifiers: ClinVar variation 346568 (VCV000346568.34), dbSNP rs143202281, ClinGen allele CA10619456.